The following is an entry in ClinVar:

ClinVar aggregate classification (germline): Pathogenic (1 of 4 stars; one submission).

Conditions:
BRCA2-related disorder. Also called: BRCA2-related condition; BRCA2-related disorders. Identifiers: MedGen CN239275.
Hereditary breast ovarian cancer syndrome. Also called: Hereditary breast and ovarian cancer syndrome (HBOC); Hereditary breast and ovarian cancer; Hereditary breast and/or ovarian cancer syndrome; Hereditary breast and ovarian cancer syndrome; Breast and ovarian cancer; BRCA1- and BRCA2-Associated Hereditary Breast and Ovarian Cancer. Identifiers: Orphanet 145, MedGen C0677776, MeSH D061325, MONDO:0003582. Disease mechanism: loss of function.

Submission:

Labcorp Genetics (formerly Invitae), Labcorp
Classification: Pathogenic for Hereditary breast ovarian cancer syndrome. Last evaluated: 2018-04-25. Review status: criteria provided, single submitter. Criteria: Invitae Variant Classification Sherloc (09022015). Collection method: clinical testing. Allele origin: germline.
Comment: For these reasons, this variant has been classified as Pathogenic. Loss-of-function variants in BRCA2 are known to be pathogenic (PMID: 20104584). This variant has not been reported in the literature in individuals with BRCA2-related disease. This variant is not present in population databases (ExAC no frequency). This sequence change creates a premature translational stop signal (p.Thr1483Argfs*4) in the BRCA2 gene. It is expected to result in an absent or disrupted protein product.

Literature cited by the submitters: PubMed 20104584 (cited by Labcorp Genetics (formerly Invitae), Labcorp).

NM_000059.4(BRCA2):c.4448_4449del (p.Thr1483fs)

Gene: BRCA2 (BRCA2 DNA repair associated; plus strand). Cytogenetic location: 13q13.1.
Variant type: Deletion.
Coding change: c.4448_4449del on transcript NM_000059.4 (MANE Select); coding-DNA positions 4448 to 4449, 2 bases deleted (CA; older notation c.4448_4449delCA).
Protein change: p.Thr1483fs; shifts the reading frame from threonine 1483.
Molecular consequence: frameshift variant.
Genome position (GRCh38, 1-based): chr13:32,338,803-32,338,804, CA deleted; deleting any 2 consecutive bases within chr13:32,338,802-32,338,804 gives the same sequence; the c. name uses the placement nearest the transcript's 3' end. VCF-style (leftmost placement, unchanged base first): chr13-32338801-AAC-A. GRCh37 (hg19) VCF-style: chr13-32912938-AAC-A.
Other names: c.4448_4449delCA (NM_000059.3); short protein forms T1483fs.
Identifiers: ClinVar variation 568979 (VCV000568979.9), dbSNP rs1566230322, ClinGen allele CA891844228.